The following is an entry in ClinVar:

NM_199242.3(UNC13D):c.1049C>T (p.Ser350Phe)

Gene: UNC13D (unc-13 homolog D; minus strand). Cytogenetic location: 17q25.1.
Variant type: single nucleotide variant.
Coding change: c.1049C>T on transcript NM_199242.3 (MANE Select); coding-DNA position 1049, C replaced by T.
Protein change: p.Ser350Phe; replaces serine 350 with phenylalanine.
Molecular consequence: missense variant.
Genome position (GRCh38, 1-based): chr17:75,839,845, G>A on the plus strand (C>T on the coding strand, the complement: UNC13D is on the minus strand). VCF-style: chr17-75839845-G-A. GRCh37 (hg19) VCF-style: chr17-73835926-G-A.
Other names: short protein forms S350F.
Identifiers: ClinVar variation 1441306 (VCV001441306.5), dbSNP rs2064934780, ClinGen allele CA401105842.
Genomic context (GRCh38, chr17:75,839,845, plus strand): 5'-AGGGGGCGTGGGGGGCTGGTGGCTCAGGGGTTCTGCCCAGGGCTGTGTACTCACGCCATG[G>A]ACTGGTGGAAGTCGGATAGGTCCTTCTGTGTGGCGTGCAGAAAGAGGACGGTGGCAGCCT-3'
Protein context (NP_954712.1, residues 340-360): TQKDLSDFHQ[Ser350Phe]MAQWLAYSRL

ClinVar aggregate classification (germline): Uncertain significance (1 of 4 stars; one submission).

Conditions:
Familial hemophagocytic lymphohistiocytosis 3 (FHL3). Also called: UNC13D-Related Familial Hemophagocytic Lymphohistiocytosis (UNC13D-fHLH). Identifiers: Orphanet 540, MedGen C1837174, MONDO:0012146, OMIM 608898.

Allele frequency attached by ClinVar (database versions not stated): TOPMed below 0.00001.

Submission:

Labcorp Genetics (formerly Invitae), Labcorp
Classification: Uncertain significance for Familial hemophagocytic lymphohistiocytosis 3. Last evaluated: 2022-02-24. Review status: criteria provided, single submitter. Criteria: Invitae Variant Classification Sherloc (09022015). Collection method: clinical testing. Allele origin: germline.
Comment: This sequence change replaces serine, which is neutral and polar, with phenylalanine, which is neutral and non-polar, at codon 350 of the UNC13D protein (p.Ser350Phe). This variant is not present in population databases (gnomAD no frequency). This variant has not been reported in the literature in individuals affected with UNC13D-related conditions. Algorithms developed to predict the effect of missense changes on protein structure and function are either unavailable or do not agree on the potential impact of this missense change (SIFT: "Not Available"; PolyPhen-2: "Possibly Damaging"; Align-GVGD: "Not Available"). In summary, the available evidence is currently insufficient to determine the role of this variant in disease. Therefore, it has been classified as a Variant of Uncertain Significance.